The following is an entry in ClinVar:

NM_001130438.3(SPTAN1):c.1602T>G (p.Ile534Met)

Gene: SPTAN1 (spectrin alpha, non-erythrocytic 1; plus strand). Cytogenetic location: 9q34.11.
Variant type: single nucleotide variant.
Coding change: c.1602T>G on transcript NM_001130438.3 (MANE Select); coding-DNA position 1602, T replaced by G.
Protein change: p.Ile534Met; replaces isoleucine 534 with methionine.
Molecular consequence: missense variant.
Genome position (GRCh38, 1-based): chr9:128,582,508, T>G. VCF-style: chr9-128582508-T-G. GRCh37 (hg19) VCF-style: chr9-131344787-T-G.
Other names: c.1602T>G, p.Ile534Met (NM_001195532.2, NM_001363759.2, NM_001363765.2 and 5 more transcripts); c.1638T>G, p.Ile546Met (NM_001375312.2, NM_001375318.1); short protein forms I546M, I534M.
Identifiers: ClinVar variation 972513 (VCV000972513.13), dbSNP rs560390110, ClinGen allele CA5264454.

ClinVar aggregate classification (germline): Conflicting classifications of pathogenicity. Review status: criteria provided, conflicting classifications (1 of 4 stars). 3 submissions from 3 submitters: Uncertain significance (2); Likely benign (1). Last evaluated 2025-04-07.

Conditions:
Inborn genetic diseases. Identifiers: MedGen C0950123, MeSH D030342.
Early-infantile DEE. Also called: Ohtahara syndrome; Early infantile epileptic encephalopathy with suppression bursts; Early infantile epileptic encephalopathy. Identifiers: Orphanet 1934, MedGen C0393706, MONDO:0800491.

Allele frequency attached by ClinVar (database versions not stated): gnomAD exomes 0.00001 and 0.00004; gnomAD 0.00002 and 0.00003; TOPMed 0.00002; ExAC 0.00004; 1000 Genomes Project 30x 0.00016; 1000 Genomes Project 0.00020.
gnomAD v4.1: 14 of 1,614,180 alleles (0.00087%); highest among the groups gnomAD compares: East Asian, 0.031%; no homozygotes.

Submissions (3):

Ambry Genetics
Classification: Likely benign for Inborn genetic diseases. Last evaluated: 2025-04-07. Review status: criteria provided, single submitter. Criteria: Ambry Variant Classification Scheme 2023. Collection method: clinical testing. Allele origin: germline.

Revvity Omics, Revvity
Classification: Uncertain significance. Last evaluated: 2025-01-30. Review status: criteria provided, single submitter. Criteria: ACMG Guidelines, 2015. Collection method: clinical testing. Allele origin: germline.

Labcorp Genetics (formerly Invitae), Labcorp
Classification: Uncertain significance for Early-infantile DEE. Last evaluated: 2024-03-02. Review status: criteria provided, single submitter. Criteria: Invitae Variant Classification Sherloc (09022015). Collection method: clinical testing. Allele origin: germline.
Comment: This sequence change replaces isoleucine, which is neutral and non-polar, with methionine, which is neutral and non-polar, at codon 534 of the SPTAN1 protein (p.Ile534Met). This variant is present in population databases (rs560390110, gnomAD 0.06%). This variant has not been reported in the literature in individuals affected with SPTAN1-related conditions. ClinVar contains an entry for this variant (Variation ID: 972513). Advanced modeling of protein sequence and biophysical properties (such as structural, functional, and spatial information, amino acid conservation, physicochemical variation, residue mobility, and thermodynamic stability) has been performed at Invitae for this missense variant, however the output from this modeling did not meet the statistical confidence thresholds required to predict the impact of this variant on SPTAN1 protein function. In summary, the available evidence is currently insufficient to determine the role of this variant in disease. Therefore, it has been classified as a Variant of Uncertain Significance.